The following is an entry in ClinVar:

NM_024809.5(TCTN2):c.830T>C (p.Phe277Ser)

Gene: TCTN2 (tectonic family member 2; plus strand). Cytogenetic location: 12q24.31.
Variant type: single nucleotide variant.
Coding change: c.830T>C on transcript NM_024809.5 (MANE Select); coding-DNA position 830, T replaced by C.
Protein change: p.Phe277Ser; replaces phenylalanine 277 with serine.
Molecular consequence: missense variant.
Genome position (GRCh38, 1-based): chr12:123,688,116, T>C. VCF-style: chr12-123688116-T-C. GRCh37 (hg19) VCF-style: chr12-124172663-T-C.
Other names: c.827T>C, p.Phe276Ser (NM_001143850.3); short protein forms F276S, F277S.
Identifiers: ClinVar variation 1507528 (VCV001507528.8), dbSNP rs1566252816, ClinGen allele CA387137589.
Genomic context (GRCh38, chr12:123,688,116, plus strand): 5'-CCAAACAGGACTCTTCCTTTGAAGTATATGTGGATACTGACGCAAAAGACTTTGCAGACT[T>C]TGGTTACAAACAAGGAGATCCCATTATGACTGTAAAGAAGGCATATTTTACTATTCCGCA-3'
Protein context (NP_079085.2, residues 267-287): VDTDAKDFAD[Phe277Ser]GYKQGDPIMT

ClinVar aggregate classification (germline): Uncertain significance (1 of 4 stars; one submission).

Conditions:
Meckel-Gruber syndrome. Also called: DYSENCEPHALIA SPLANCHNOCYSTICA; GRUBER SYNDROME; Dysencephalia splachnocystica. Identifiers: Orphanet 564, MedGen C0265215, MONDO:0018921.
Joubert syndrome. Also called: CEREBELLOPARENCHYMAL DISORDER IV; JOUBERT-BOLTSHAUSER SYNDROME; Familial aplasia of the vermis. Identifiers: Orphanet 475, MedGen C5979921, MONDO:0018772.

Allele frequency attached by ClinVar (database versions not stated): gnomAD exomes below 0.00001 and 0.00001.
gnomAD v4.1: 4 of 1,614,202 alleles (0.00025%); highest among the groups gnomAD compares: Non-Finnish European, 0.00017%; no homozygotes.

Submission:

Labcorp Genetics (formerly Invitae), Labcorp
Classification: Uncertain significance for Joubert syndrome; Meckel-Gruber syndrome. Last evaluated: 2023-08-17. Review status: criteria provided, single submitter. Criteria: Invitae Variant Classification Sherloc (09022015). Collection method: clinical testing. Allele origin: germline.
Comment: In summary, the available evidence is currently insufficient to determine the role of this variant in disease. Therefore, it has been classified as a Variant of Uncertain Significance. Advanced modeling of protein sequence and biophysical properties (such as structural, functional, and spatial information, amino acid conservation, physicochemical variation, residue mobility, and thermodynamic stability) performed at Invitae indicates that this missense variant is not expected to disrupt TCTN2 protein function. ClinVar contains an entry for this variant (Variation ID: 1507528). This variant has not been reported in the literature in individuals affected with TCTN2-related conditions. This variant is not present in population databases (gnomAD no frequency). This sequence change replaces phenylalanine, which is neutral and non-polar, with serine, which is neutral and polar, at codon 277 of the TCTN2 protein (p.Phe277Ser).